The following is an entry in ClinVar:

NM_006231.4(POLE):c.4145del (p.Arg1382fs)

Gene: POLE (DNA polymerase epsilon, catalytic subunit; minus strand). Cytogenetic location: 12q24.33.
Variant type: Deletion.
Coding change: c.4145del on transcript NM_006231.4 (MANE Select); coding-DNA position 4145, one base deleted (G; older notation c.4145delG).
Protein change: p.Arg1382fs; shifts the reading frame from arginine 1382.
Molecular consequence: frameshift variant.
Genome position (GRCh38, 1-based): chr12:132,648,933, C deleted on the plus strand (G on the coding strand, the reverse complement: POLE is on the minus strand). VCF-style (leftmost placement, unchanged base first): chr12-132648932-GC-G. GRCh37 (hg19) VCF-style: chr12-133225518-GC-G.
Other names: short protein forms R1382fs.
Identifiers: ClinVar variation 3661852 (VCV003661852.2).

ClinVar aggregate classification (germline): Pathogenic (1 of 4 stars; one submission).

Submission:

Labcorp Genetics (formerly Invitae), Labcorp
Classification: Pathogenic. Last evaluated: 2024-09-06. Review status: criteria provided, single submitter. Criteria: Invitae Variant Classification Sherloc (09022015). Collection method: clinical testing. Allele origin: germline.
Comment: This sequence change creates a premature translational stop signal (p.Arg1382Profs*3) in the POLE gene. It is expected to result in an absent or disrupted protein product. Loss-of-function variants in POLE are known to be pathogenic (PMID: 23230001, 25948378, 30503519). This variant is not present in population databases (gnomAD no frequency). This variant has not been reported in the literature in individuals affected with POLE-related conditions. For these reasons, this variant has been classified as Pathogenic.

Literature cited by the submitters: PubMed 23230001; PubMed 25948378; PubMed 30503519.